The following is an entry in ClinVar:

ClinVar aggregate classification (germline): Uncertain significance (1 of 4 stars; one submission).

gnomAD v4.1: 1 of 1,613,944 alleles (0.000062%); highest among the groups gnomAD compares: Non-Finnish European, 0.000085%; no homozygotes.

Submission:

Labcorp Genetics (formerly Invitae), Labcorp
Classification: Uncertain significance. Last evaluated: 2022-07-26. Review status: criteria provided, single submitter. Criteria: Invitae Variant Classification Sherloc (09022015). Collection method: clinical testing. Allele origin: germline.
Comment: This sequence change replaces leucine, which is neutral and non-polar, with valine, which is neutral and non-polar, at codon 281 of the KIAA1549 protein (p.Leu281Val). This variant is not present in population databases (gnomAD no frequency). This variant has not been reported in the literature in individuals affected with KIAA1549-related conditions. Algorithms developed to predict the effect of missense changes on protein structure and function output the following: SIFT: "Deleterious"; PolyPhen-2: "Benign"; Align-GVGD: "Class C0". The valine amino acid residue is found in multiple mammalian species, which suggests that this missense change does not adversely affect protein function. In summary, the available evidence is currently insufficient to determine the role of this variant in disease. Therefore, it has been classified as a Variant of Uncertain Significance.

NM_001164665.2(KIAA1549):c.841C>G (p.Leu281Val)

Gene: KIAA1549 (KIAA1549; minus strand). Cytogenetic location: 7q34.
Variant type: single nucleotide variant.
Coding change: c.841C>G on transcript NM_001164665.2 (MANE Select); coding-DNA position 841, C replaced by G.
Protein change: p.Leu281Val; replaces leucine 281 with valine.
Molecular consequence: missense variant.
Genome position (GRCh38, 1-based): chr7:138,918,785, G>C on the plus strand (C>G on the coding strand, the complement: KIAA1549 is on the minus strand). VCF-style: chr7-138918785-G-C. GRCh37 (hg19) VCF-style: chr7-138603531-G-C.
Other names: c.841C>G, p.Leu281Val (NM_020910.3); short protein forms L281V.
Identifiers: ClinVar variation 2086732 (VCV002086732.4), dbSNP rs760438539, ClinGen allele CA369401653.